The following is an entry in ClinVar:

ClinVar aggregate classification (germline): Pathogenic. Review status: criteria provided, single submitter (1 of 4 stars). 2 submissions from 2 submitters: Pathogenic (1). 1 of the submissions does not count toward it. Last evaluated 2021-05-08.

Conditions:
Tuberous sclerosis syndrome (TSC). Also called: Tuberous Sclerosis Complex; Tuberous sclerosis. Identifiers: Orphanet 805, MedGen C0041341, MONDO:0001734.
Tuberous sclerosis 2 (TSC2). Identifiers: Orphanet 805, MedGen C1860707, MONDO:0013199, OMIM 613254.

Submissions (2):

Labcorp Genetics (formerly Invitae), Labcorp
Classification: Pathogenic for Tuberous sclerosis 2. Last evaluated: 2021-05-08. Review status: criteria provided, single submitter. Criteria: Invitae Variant Classification Sherloc (09022015). Collection method: clinical testing. Allele origin: germline.
Comment: For these reasons, this variant has been classified as Pathogenic. This variant has been observed in individual(s) with TSC2-related conditions (PMID: 10205261). ClinVar contains an entry for this variant (Variation ID: 50109). This variant is not present in population databases (ExAC no frequency). This sequence change creates a premature translational stop signal (p.Gln1192*) in the TSC2 gene. It is expected to result in an absent or disrupted protein product. Loss-of-function variants in TSC2 are known to be pathogenic (PMID: 10205261, 17304050).

Tuberous sclerosis database (TSC2)
No classification provided. Condition: TSC. Review status: no classification provided. Criteria: Tuberous Sclerosis Database Assertion Criteria 2015. Collection method: curation. Allele origin: germline. Affected: yes. Not counted in ClinVar's aggregate classification.

Literature cited by the submitters: PubMed 10205261 (cited by Labcorp Genetics (formerly Invitae), Labcorp); PubMed 17304050 (cited by Labcorp Genetics (formerly Invitae), Labcorp).

NM_000548.5(TSC2):c.3574C>T (p.Gln1192Ter)

Gene: TSC2 (TSC complex subunit 2; plus strand). Cytogenetic location: 16p13.3.
Variant type: single nucleotide variant.
Coding change: c.3574C>T on transcript NM_000548.5 (MANE Select); coding-DNA position 3574, C replaced by T.
Protein change: p.Gln1192Ter; replaces glutamine 1192 with a stop codon.
Molecular consequence: nonsense.
Genome position (GRCh38, 1-based): chr16:2,080,341, C>T. VCF-style: chr16-2080341-C-T. GRCh37 (hg19) VCF-style: chr16-2130342-C-T.
Other names: c.3442C>T, p.Gln1148Ter (NM_001077183.3, NM_001370404.1); c.3574C>T, p.Gln1192Ter (NM_001114382.3); c.3334C>T, p.Gln1112Ter (NM_001318827.2); c.3298C>T, p.Gln1100Ter (NM_001318829.2); c.2842C>T, p.Gln948Ter (NM_001318831.2); c.3475C>T, p.Gln1159Ter (NM_001318832.2); c.3445C>T, p.Gln1149Ter (NM_001363528.2, NM_001370405.1, NM_021055.3); short protein forms Q1192*, Q1159*, Q1149*, Q1100*, Q1148*, Q948*, Q1112*.
Identifiers: ClinVar variation 50109 (VCV000050109.7), dbSNP rs45517298, ClinGen allele CA019287.
Genomic context (GRCh38, chr16:2,080,341, plus strand): 5'-GGCACCCGGGTTCCTGTGCAGGAGAAGACGAACCTGGCGGCCTATGTGCCCCTGCTGACC[C>T]AGGGCTGGGCGGAGATCCTGGTCCGGAGGCCCACAGGTACTGGGCGGGGCTGGCCTGAGC-3'